The following is an entry in ClinVar:

NM_004523.4(KIF11):c.247C>T (p.Arg83Ter)

Gene: KIF11 (kinesin family member 11; plus strand). Cytogenetic location: 10q23.33.
Variant type: single nucleotide variant.
Coding change: c.247C>T on transcript NM_004523.4 (MANE Select); coding-DNA position 247, C replaced by T.
Protein change: p.Arg83Ter; replaces arginine 83 with a stop codon.
Molecular consequence: nonsense.
Genome position (GRCh38, 1-based): chr10:92,606,655, C>T. VCF-style: chr10-92606655-C-T. GRCh37 (hg19) VCF-style: chr10-94366412-C-T.
Other names: short protein forms R83*.
Identifiers: ClinVar variation 424002 (VCV000424002.17), dbSNP rs1064796738, ClinGen allele CA16619080.
Genomic context (GRCh38, chr10:92,606,655, plus strand): 5'-TTTTTTTTTAATTTTTTTCGTTAGGTGTTTGGAGCATCTACTAAACAGATTGATGTTTAC[C>T]GAAGTGTTGTTTGTCCAATTCTGGATGAAGTTATTATGGGCTATAATTGCACTATCTTTG-3'

ClinVar aggregate classification (germline): Pathogenic. Review status: criteria provided, multiple submitters, no conflicts (2 of 4 stars). 6 submissions from 6 submitters: Pathogenic (6). Last evaluated 2024-10-31.

Conditions:
Microcephaly with or without chorioretinopathy, lymphedema, or impaired intellectual development. Also called: Microcephaly with or without chorioretinopathy, lymphedema, or intellectual disability; Microcephaly lymphedema chorioretinal dysplasia; MICROCEPHALY AND CHORIORETINOPATHY WITH OR WITHOUT MENTAL RETARDATION, AUTOSOMAL DOMINANT; MICROCEPHALY, LYMPHEDEMA, CHORIORETINAL DYSPLASIA SYNDROME; Microcephaly with or without chorioretinopathy, lymphedema, or mental retardation. Identifiers: Orphanet 2526, MedGen C1835265, MONDO:0007918, OMIM 152950.
KIF11-related disorder. Also called: KIF11-related condition.

Allele frequency attached by ClinVar (database versions not stated): TOPMed below 0.00001.

Submissions (6):

GeneDx
Classification: Pathogenic. Last evaluated: 2024-10-31. Review status: criteria provided, single submitter. Criteria: GeneDx Variant Classification Process June 2021. Collection method: clinical testing. Allele origin: germline. Affected: yes.
Comment: Nonsense variant predicted to result in protein truncation or nonsense mediated decay in a gene for which loss of function is a known mechanism of disease; Not observed at significant frequency in large population cohorts (gnomAD); This variant is associated with the following publications: (PMID: 38219857, 31077665)

Labcorp Genetics (formerly Invitae), Labcorp
Classification: Pathogenic. Last evaluated: 2024-04-25. Review status: criteria provided, single submitter. Criteria: Invitae Variant Classification Sherloc (09022015). Collection method: clinical testing. Allele origin: germline.
Comment: This sequence change creates a premature translational stop signal (p.Arg83*) in the KIF11 gene. It is expected to result in an absent or disrupted protein product. Loss-of-function variants in KIF11 are known to be pathogenic (PMID: 22284827, 24281367). This variant is not present in population databases (gnomAD no frequency). This premature translational stop signal has been observed in individual(s) with clinical features of microcephaly with vitreoretinopathy (PMID: 31077665). In at least one individual the variant was observed to be de novo. ClinVar contains an entry for this variant (Variation ID: 424002). For these reasons, this variant has been classified as Pathogenic.

Blueprint Genetics
Classification: Pathogenic for KIF11-related disorders. Last evaluated: 2021-09-09. Review status: criteria provided, single submitter. Criteria: ACMG Guidelines, 2015. Collection method: clinical testing. Allele origin: germline. Affected: yes. Observed: 4 variant alleles.

Fulgent Genetics
Classification: Pathogenic for Microcephaly with or without chorioretinopathy, lymphedema, or impaired intellectual development. Last evaluated: 2018-10-31. Review status: criteria provided, single submitter. Criteria: ACMG Guidelines, 2015. Collection method: clinical testing. Allele origin: unknown.

Geisinger Autism and Developmental Medicine Institute, Geisinger Health System
Classification: Pathogenic for Microcephaly with or without chorioretinopathy, lymphedema, or impaired intellectual development. Last evaluated: 2017-06-27. Review status: criteria provided, single submitter. Criteria: ACMG Guidelines, 2015. Collection method: provider interpretation, clinical testing. Allele origin: maternal. Affected: yes. Observed: 1 variant allele.
Comment: The p.Arg83Ter variant is absent from population databases. The variant is predicted to cause loss of normal protein function either through protein truncation or nonsense-mediated mRNA decay. Additionally, exome sequencing identified biallelic variants in the ASPM gene.

Clinical Genetics Service, Universitary Hospital 12 de Octubre
Classification: Pathogenic for Microcephaly with or without chorioretinopathy, lymphedema, or impaired intellectual development. Review status: criteria provided, single submitter. Criteria: ACMG Guidelines, 2015. Collection method: clinical testing. Allele origin: de novo. Affected: yes.

Literature cited by the submitters: PubMed 22284827 (cited by Labcorp Genetics (formerly Invitae), Labcorp); PubMed 24281367 (cited by Labcorp Genetics (formerly Invitae), Labcorp); PubMed 31077665 (cited by Labcorp Genetics (formerly Invitae), Labcorp); PubMed 25115524 (cited by Geisinger Autism and Developmental Medicine Institute, Geisinger Health System); PubMed 25124931 (cited by Geisinger Autism and Developmental Medicine Institute, Geisinger Health System).